The following is an entry in ClinVar:

NM_152415.3(VPS37A):c.623C>T (p.Thr208Ile)

Gene: VPS37A (VPS37A subunit of ESCRT-I; plus strand). Cytogenetic location: 8p22.
Variant type: single nucleotide variant.
Coding change: c.623C>T on transcript NM_152415.3 (MANE Select); coding-DNA position 623, C replaced by T.
Protein change: p.Thr208Ile; replaces threonine 208 with isoleucine.
Molecular consequence: missense variant.
Genome position (GRCh38, 1-based): chr8:17,274,939, C>T. VCF-style: chr8-17274939-C-T. GRCh37 (hg19) VCF-style: chr8-17132448-C-T.
Other names: c.548C>T, p.Thr183Ile (NM_001145152.2); c.623C>T, p.Thr208Ile (NM_001363167.1, NM_001363173.2); c.353C>T, p.Thr118Ile (NM_001363168.1, NM_001363169.1, NM_001363170.1 and 2 more transcripts); short protein forms T208I, T118I, T183I.
Identifiers: ClinVar variation 963171 (VCV000963171.6), dbSNP rs757586403, ClinGen allele CA4643371.

ClinVar aggregate classification (germline): Uncertain significance (1 of 4 stars; one submission).

Conditions:
Hereditary spastic paraplegia 53. Also called: Spastic paraplegia 53, autosomal recessive. Identifiers: Orphanet 319199, MedGen C3539494, MONDO:0013962, OMIM 614898.

Allele frequency attached by ClinVar (database versions not stated): gnomAD exomes 0.00002; TOPMed 0.00002.
gnomAD v4.1: 29 of 1,614,012 alleles (0.0018%); highest among the groups gnomAD compares: Non-Finnish European, 0.0014%; no homozygotes.

Submission:

Labcorp Genetics (formerly Invitae), Labcorp
Classification: Uncertain significance for Hereditary spastic paraplegia 53. Last evaluated: 2019-08-25. Review status: criteria provided, single submitter. Criteria: Invitae Variant Classification Sherloc (09022015). Collection method: clinical testing. Allele origin: germline.
Comment: In summary, the available evidence is currently insufficient to determine the role of this variant in disease. Therefore, it has been classified as a Variant of Uncertain Significance. Algorithms developed to predict the effect of missense changes on protein structure and function are either unavailable or do not agree on the potential impact of this missense change (SIFT: "Deleterious"; PolyPhen-2: "Benign"; Align-GVGD: "Class C0"). This variant has not been reported in the literature in individuals with VPS37A-related conditions. This variant is present in population databases (rs757586403, ExAC 0.03%). This sequence change replaces threonine with isoleucine at codon 208 of the VPS37A protein (p.Thr208Ile). The threonine residue is highly conserved and there is a moderate physicochemical difference between threonine and isoleucine.